The following is an entry in ClinVar:

NM_001042492.3(NF1):c.1198C>T (p.Gln400Ter)

Gene: NF1 (neurofibromin 1; plus strand). Cytogenetic location: 17q11.2.
Variant type: single nucleotide variant.
Coding change: c.1198C>T on transcript NM_001042492.3 (MANE Select); coding-DNA position 1198, C replaced by T.
Protein change: p.Gln400Ter; replaces glutamine 400 with a stop codon.
Molecular consequence: nonsense.
Genome position (GRCh38, 1-based): chr17:31,201,423, C>T. VCF-style: chr17-31201423-C-T. GRCh37 (hg19) VCF-style: chr17-29528441-C-T.
Other names: c.1198C>T, p.Gln400Ter (NM_000267.4, NM_001128147.3); short protein forms Q400*.
Identifiers: ClinVar variation 818183 (VCV000818183.18), dbSNP rs1597682751, ClinGen allele CA398997447.

ClinVar aggregate classification (germline): Pathogenic. Review status: criteria provided, multiple submitters, no conflicts (2 of 4 stars). 8 submissions from 8 submitters: Pathogenic (8). Last evaluated 2025-08-13.

Conditions:
NF1-related disorder. Also called: NF1-related condition. Identifiers: MedGen CN379171.
Cardiovascular phenotype. Identifiers: MedGen CN230736.
Hereditary cancer-predisposing syndrome. Also called: Neoplastic Syndromes, Hereditary; Tumor predisposition; Hereditary Cancer Syndrome; Hereditary neoplastic syndrome. Identifiers: Orphanet 140162, MedGen C0027672, MeSH D009386, MONDO:0015356.
Tibial pseudarthrosis. Identifiers: MedGen C4024216, HP:0009736.
Neurofibromatosis, type 1 (NF1). Also called: VON RECKLINGHAUSEN DISEASE; Peripheral type neurofibromatosis; NEUROFIBROMATOSIS, TYPE I, SOMATIC; Neurofibromatosis, type I. Identifiers: Orphanet 636, MedGen C0027831, MONDO:0018975, OMIM 162200. Disease mechanism: loss of function.

Submissions (8):

Labcorp Genetics (formerly Invitae), Labcorp
Classification: Pathogenic for Neurofibromatosis, type 1. Last evaluated: 2025-08-13. Review status: criteria provided, single submitter. Criteria: Invitae Variant Classification Sherloc (09022015). Collection method: clinical testing. Allele origin: germline.
Comment: This sequence change creates a premature translational stop signal (p.Gln400*) in the NF1 gene. It is expected to result in an absent or disrupted protein product. Loss-of-function variants in NF1 are known to be pathogenic (PMID: 10712197, 23913538). This variant is not present in population databases (gnomAD no frequency). This premature translational stop signal has been observed in individual(s) with neurofibromatosis type 1 (PMID: 23913538). Invitae Evidence Modeling of clinical and family history, age, sex, and reported ancestry of multiple individuals with this NF1 variant has been performed. This variant is expected to be pathogenic with a positive predictive value of at least 99%. This is a validated machine learning model that incorporates the clinical features of 1,785,918 individuals referred to our laboratory for NF1 testing. ClinVar contains an entry for this variant (Variation ID: 818183). For these reasons, this variant has been classified as Pathogenic.

Molecular Pathology, Peter Maccallum Cancer Centre
Classification: Pathogenic for Neurofibromatosis, type 1. Last evaluated: 2024-09-24. Review status: criteria provided, single submitter. Criteria: ACMG Guidelines, 2015. Collection method: clinical testing. Allele origin: germline. Inheritance: Autosomal dominant inheritance.

Eurofins-Biomnis
Classification: Pathogenic for Neurofibromatosis, type 1. Last evaluated: 2022-09-12. Review status: criteria provided, single submitter. Criteria: Accession Criteria ClinVar Biomnis. Collection method: clinical testing. Allele origin: germline. Affected: yes. Observed: 1 heterozygote.

Blueprint Genetics
Classification: Pathogenic for NF1-related disorders. Last evaluated: 2022-04-07. Review status: criteria provided, single submitter. Criteria: ACMG Guidelines, 2015. Collection method: clinical testing. Allele origin: germline. Affected: yes. Observed: 1 variant allele.

Genome-Nilou Lab
Classification: Pathogenic for Neurofibromatosis, type 1. Last evaluated: 2022-03-15. Review status: criteria provided, single submitter. Criteria: ACMG Guidelines, 2015. Collection method: clinical testing. Allele origin: germline. Affected: no.

GeneDx
Classification: Pathogenic. Last evaluated: 2021-12-07. Review status: criteria provided, single submitter. Criteria: GeneDx Variant Classification Process June 2021. Collection method: clinical testing. Allele origin: germline. Affected: yes.
Comment: Nonsense variant predicted to result in protein truncation or nonsense mediated decay in a gene for which loss-of-function is a known mechanism of disease; Not observed at significant frequency in large population cohorts (Lek 2016); This variant is associated with the following publications: (PMID: 15609345, 31370276, 30561760, 23913538, 31533797)

The Laboratory of Genetics and Metabolism, Hunan Children’s Hospital
Classification: Pathogenic for Neurofibromatosis, type 1; Tibial pseudoarthrosis. Last evaluated: 2018-11-10. Review status: criteria provided, single submitter. Criteria: ACMG Guidelines, 2015. Collection method: research. Allele origin: de novo. Affected: yes. Observed: 2 variant alleles.

Ambry Genetics
Classification: Pathogenic for Cardiovascular phenotype; Hereditary cancer-predisposing syndrome. Last evaluated: 2017-02-27. Review status: criteria provided, single submitter. Criteria: Ambry Variant Classification Scheme 2023. Collection method: clinical testing. Allele origin: germline.
Comment: The p.Q400* pathogenic mutation (also known as c.1198C>T), located in coding exon 11 of the NF1 gene, results from a C to T substitution at nucleotide position 1198. This changes the amino acid from a glutamine to a stop codon within coding exon 11. This mutation was identified in 1/565 unrelated individuals making up a French NF1 cohort (Sabbagh A et al. Hum. Mutat. 2013 Nov;34:1510-8). In addition to the clinical data presented in the literature, this alteration is expected to result in loss of function by premature protein truncation or nonsense-mediated mRNA decay. As such, this alteration is interpreted as a disease-causing mutation.

Literature cited by the submitters: PubMed 10712197 (cited by Labcorp Genetics (formerly Invitae), Labcorp); PubMed 23913538 (cited by Labcorp Genetics (formerly Invitae), Labcorp); PubMed 31533797 (cited by The Laboratory of Genetics and Metabolism, Hunan Children’s Hospital).